The following is an entry in ClinVar:

NM_001281740.3(FHOD3):c.1097C>T (p.Ser366Leu)

Gene: FHOD3 (formin homology 2 domain containing 3; plus strand). Cytogenetic location: 18q12.2.
Variant type: single nucleotide variant.
Coding change: c.1097C>T on transcript NM_001281740.3 (MANE Select); coding-DNA position 1097, C replaced by T.
Protein change: p.Ser366Leu; replaces serine 366 with leucine.
Molecular consequence: missense variant.
Genome position (GRCh38, 1-based): chr18:36,625,650, C>T. VCF-style: chr18-36625650-C-T. GRCh37 (hg19) VCF-style: chr18-34205613-C-T.
Other names: c.1097C>T, p.Ser366Leu (NM_001281739.3, NM_025135.5); short protein forms S366L.
Identifiers: ClinVar variation 2584574 (VCV002584574.2), dbSNP rs747730516, ClinGen allele CA8941542.

ClinVar aggregate classification (germline): Uncertain significance. Review status: criteria provided, multiple submitters, no conflicts (2 of 4 stars). 2 submissions from 2 submitters: Uncertain significance (2). Last evaluated 2023-02-10.

Conditions:
Cardiomyopathy, familial hypertrophic, 28. Identifiers: MedGen C5543616, MONDO:0030317, OMIM 619402.
FHOD3-related disorder. Also called: FHOD3-related condition.

Allele frequency attached by ClinVar (database versions not stated): gnomAD 0.00003; ExAC 0.00004; TOPMed 0.00005.
gnomAD v4.1: 59 of 1,610,118 alleles (0.0037%); highest among the groups gnomAD compares: East Asian, 0.013%; no homozygotes.

Submissions (2):

New York Genome Center
Classification: Uncertain significance for Cardiomyopathy, familial hypertrophic, 28. Last evaluated: 2023-02-10. Review status: criteria provided, single submitter. Criteria: NYGC Assertion Criteria 2020. Collection method: clinical testing. Allele origin: germline. Observed: 1 heterozygote.

PreventionGenetics, part of Exact Sciences
Classification: Uncertain significance for FHOD3-related condition. Last evaluated: 2022-11-08. Review status: criteria provided, single submitter. Criteria: ACMG Guidelines, 2015. Collection method: clinical testing. Allele origin: germline.
Comment: The FHOD3 c.1097C>T variant is predicted to result in the amino acid substitution p.Ser366Leu. This variant has been reported in two individuals with hypertrophic cardiomyopathy and classified as variant of uncertain significance (Wu et al. 2021. PubMed ID: 33586461). This variant is reported in 0.0063% of alleles in individuals of European (Non-Finnish) descent in gnomAD. At this time, the clinical significance of this variant is uncertain due to the absence of conclusive functional and genetic evidence.